The following is an entry in ClinVar:

ClinVar aggregate classification (germline): Uncertain significance (1 of 4 stars; one submission).

Conditions:
Propionic acidemia (PROP). Also called: KETOTIC HYPERGLYCINEMIA; GLYCINEMIA, KETOTIC; HYPERGLYCINEMIA WITH KETOACIDOSIS AND LEUKOPENIA. Identifiers: Orphanet 35, MedGen C0268579, MONDO:0011628, OMIM 606054, HP:0003571.

Allele frequency attached by ClinVar (database versions not stated): gnomAD 0.00001; gnomAD exomes 0.00001 and 0.00004; TOPMed 0.00002; ExAC 0.00005.
gnomAD v4.1: 11 of 1,601,606 alleles (0.00069%); highest among the groups gnomAD compares: East Asian, 0.025%; no homozygotes.

Submission:

Labcorp Genetics (formerly Invitae), Labcorp
Classification: Uncertain significance for Propionic acidemia. Last evaluated: 2022-07-19. Review status: criteria provided, single submitter. Criteria: Invitae Variant Classification Sherloc (09022015). Collection method: clinical testing. Allele origin: germline.
Comment: This sequence change falls in intron 11 of the PCCA gene. It does not directly change the encoded amino acid sequence of the PCCA protein. It affects a nucleotide within the consensus splice site. This variant is present in population databases (rs749376990, gnomAD 0.06%). This variant has not been reported in the literature in individuals affected with PCCA-related conditions. ClinVar contains an entry for this variant (Variation ID: 1411230). Variants that disrupt the consensus splice site are a relatively common cause of aberrant splicing (PMID: 17576681, 9536098). Algorithms developed to predict the effect of sequence changes on RNA splicing suggest that this variant is not likely to affect RNA splicing. In summary, the available evidence is currently insufficient to determine the role of this variant in disease. Therefore, it has been classified as a Variant of Uncertain Significance.

Literature cited by the submitters: PubMed 17576681; PubMed 9536098.

NM_000282.4(PCCA):c.914+3A>G

Gene: PCCA (propionyl-CoA carboxylase subunit alpha; plus strand). Cytogenetic location: 13q32.3.
Variant type: single nucleotide variant.
Coding change: c.914+3A>G on transcript NM_000282.4 (MANE Select); 3 bases into the intron after coding-DNA position 914, A replaced by G.
Molecular consequence: intron variant.
Genome position (GRCh38, 1-based): chr13:100,268,786, A>G. VCF-style: chr13-100268786-A-G. GRCh37 (hg19) VCF-style: chr13-100921040-A-G.
Other names: c.914+3A>G (NM_001178004.2, NM_001352605.2, NM_001352606.2 and 1 more transcripts); c.-32+3A>G (NM_001352610.2, NM_001352611.2, NM_001352612.2); c.836+3A>G (NM_001127692.3, NM_001352607.2, NM_001352608.2).
Identifiers: ClinVar variation 1411230 (VCV001411230.3), dbSNP rs749376990, ClinGen allele CA7033428.